The following is an entry in ClinVar:

ClinVar aggregate classification (germline): Uncertain significance (1 of 4 stars; one submission).

Conditions:
TTN-related disorder. Also called: TTN-related disorders; TTN-related condition; TTN-related disease.

gnomAD v4.1: 1 of 1,613,796 alleles (0.000062%); no homozygotes.

Submission:

PreventionGenetics, part of Exact Sciences
Classification: Uncertain significance for TTN-related condition. Last evaluated: 2025-07-10. Review status: criteria provided, single submitter. Criteria: ACMG Guidelines, 2015. Collection method: clinical testing. Allele origin: germline.
Comment: The TTN c.87697C>G variant is predicted to result in the amino acid substitution p.Leu29233Val. To our knowledge, this variant has not been reported in the literature or in a large population database (gnomAD), indicating this variant is rare. At this time, the clinical significance of this variant is uncertain due to the absence of conclusive functional and genetic evidence.

NM_001267550.2(TTN):c.87697C>G (p.Leu29233Val)

Genes: TTN (titin; minus strand), TTN-AS1 (TTN antisense RNA 1; plus strand). Cytogenetic location: 2q31.2.
Variant type: single nucleotide variant.
Coding change: c.87697C>G on transcript NM_001267550.2 (MANE Select); coding-DNA position 87697, C replaced by G.
Protein change: p.Leu29233Val; replaces leucine 29233 with valine.
Molecular consequence: missense variant.
Genome position (GRCh38, 1-based): chr2:178,557,657, G>C on the plus strand (C>G on the coding strand, the complement: TTN is on the minus strand). VCF-style: chr2-178557657-G-C. GRCh37 (hg19) VCF-style: chr2-179422384-G-C.
Other names: c.82774C>G, p.Leu27592Val (NM_001256850.1); c.60502C>G, p.Leu20168Val (NM_003319.4); c.79993C>G, p.Leu26665Val (NM_133378.4); c.60877C>G, p.Leu20293Val (NM_133432.3); c.61078C>G, p.Leu20360Val (NM_133437.4); short protein forms L20293V, L20360V, L27592V, L20168V, L26665V, L29233V.
Identifiers: ClinVar variation 4998557 (VCV004998557.1).